The following is an entry in ClinVar:

ClinVar aggregate classification (germline): Likely pathogenic. Review status: reviewed by expert panel (3 of 4 stars). 3 submissions from 3 submitters: Likely pathogenic (1). 2 of the submissions do not count toward it. Last evaluated 2024-07-22.

Conditions:
Mitochondrial disease. Also called: Mitochondrial disorders; Mitochondrial disorder. Identifiers: Orphanet 68380, MedGen C0751651, MeSH D028361, MONDO:0044970.
Nephropathy, chronic tubulointerstitial. Identifiers: MedGen C1838875, MONDO:0010793, OMIM 551200.
Hypokalemia. Identifiers: MedGen C0020621, HP:0002900.
Hypomagnesemia. Identifiers: MedGen C0151723, MONDO:0018100, HP:0002917.

Submissions (3):

ClinGen Mitochondrial Disease Nuclear and Mitochondrial  Variant Curation Expert Panel, ClinGen
Classification: Likely pathogenic for Mitochondrial disease. Last evaluated: 2024-07-22. Review status: reviewed by expert panel. Criteria: clingen mito disease acmg specifications v1-1. Collection method: curation. Allele origin: germline. Inheritance: Mitochondrial inheritance.
Comment: The m.591C>T variant in MT-TF has been reported in individuals from five families with primary mitochondrial disease (PS4_moderate; PMID: 34607911). Affected individuals had Gitelman-like syndrome, characterized by hypokalemia and hypomagnesemia related to renal magnesium wasting and elevated renin. Additional features seen in affected individuals include paresthesia and fatigue. The variant was present at homoplasmy in affected individuals and limited unaffected individuals were tested. There are no reported de novo occurrences of this variant. This variant is absent in the MITOMAP GenBank dataset and gnomAD v3.1.2, and there are three heteroplasmic occurrences in the Helix dataset (PM2_supporting). In silico prediction tools are conflicting as MitoTIP suggests this variant is benign (7.2 percentile) however manual review has resulted in an upgraded prediction to pathogenic. Patient fibroblasts showed decreased maximal mitochondrial respiration and complex IV activity was reduced in fibroblasts from one family (PMID: 34607911). Inhibition of mitochondrial respiratory chain complex IV in HEK293 cells resulted in reduced sodium chloride cotransporter (NCC)-mediated sodium reabsorption. In summary, this variant meets criteria to be classified as uncertain significance for primary mitochondrial disease however, after extensive discussion, this Expert Panel elected to modify the classification to likely pathogenic given the consistent phenotype seen across affected individuals from different haplogroups and compelling functional validation. This classification was approved by the NICHD/NINDS U24 ClinGen Mitochondrial Disease Variant Curation Expert Panel on July 22, 2024. Mitochondrial DNA-specific ACMG/AMP criteria applied (PMID: 32906214): PS4_moderate, PM2_supporting.

Undiagnosed Diseases Network, NIH
Classification: Likely pathogenic for Nephropathy, chronic tubulointerstitial. Last evaluated: 2022-07-22. Review status: criteria provided, single submitter. Criteria: ACMG Guidelines, 2015. Collection method: clinical testing. Allele origin: maternal. Affected: yes. Observed: 1 variant allele, 1 homozygote. Study: Undiagnosed Diseases Network (NIH), UDN. Not counted in ClinVar's aggregate classification.

Joint Genome Diagnostic Labs from Nijmegen and Maastricht, Radboudumc and MUMC+
Classification: Pathogenic for Hypomagnesemia; Hypokalemia. Last evaluated: 2021-07-02. Review status: criteria provided, single submitter. Criteria: mtDNA variant interpretation. Collection method: clinical testing. Allele origin: maternal. Inheritance: Mitochondrial inheritance. Affected: yes. Not counted in ClinVar's aggregate classification.
Comment: The m.591C>T variant was observed in 7 families affected by hypomagnesemia with renal magnesium wasting and hypokalemia.(Viering et al. 2021) The variant segregated with disease in 20 individuals in these 7 families. Several patients additionally suffered from reduced glomerular filtration. The variant was scored as pathogenic when using the system published by Wong et al. (2020) as basis: PS2, PS4, PM9, PM10, PP6, PP7, BP4.

NC_012920.1(MT-TF):m.591C>T

Gene: MT-TF (mitochondrially encoded tRNA phenylalanine; plus strand).
Variant type: single nucleotide variant.
Genome position: chrM-591-C-T.
Other names: NC_012920.1(MT-CYB):m.591C>T.
Identifiers: ClinVar variation 1177637 (VCV001177637.5), dbSNP rs2124590812, ClinGen allele CA913175547.